The following is an entry in ClinVar:

ClinVar aggregate classification (germline): Benign (0 of 4 stars; one submission).

Conditions:
DLGAP2-related disorder. Also called: DLGAP2-related condition.

Allele frequency attached by ClinVar (database versions not stated): 1000 Genomes Project 30x 0.00906; 1000 Genomes Project 0.00998.

Submission:

PreventionGenetics, part of Exact Sciences
Classification: Benign for DLGAP2-related condition. Last evaluated: 2019-09-18. Review status: no assertion criteria provided. Collection method: clinical testing. Allele origin: germline.
Comment: This variant is classified as benign based on ACMG/AMP sequence variant interpretation guidelines (Richards et al. 2015 PMID: 25741868, with internal and published modifications).

NM_001346810.2(DLGAP2):c.7G>T (p.Ala3Ser)

Gene: DLGAP2 (DLG associated protein 2; plus strand). Cytogenetic location: 8p23.3.
Variant type: single nucleotide variant.
Coding change: c.7G>T on transcript NM_001346810.2 (MANE Select); coding-DNA position 7, G replaced by T.
Protein change: p.Ala3Ser; replaces alanine 3 with serine.
Molecular consequence: missense variant. On other transcripts: non-coding transcript variant (1).
Genome position (GRCh38, 1-based): chr8:737,814, G>T. VCF-style: chr8-737814-G-T. GRCh37 (hg19) VCF-style: chr8-687814-G-T.
Other names: short protein forms A3S.
Identifiers: ClinVar variation 3039242 (VCV003039242.2), dbSNP rs112628444, ClinGen allele CA170205340.